The following is an entry in ClinVar:

NM_004998.4(MYO1E):c.516A>G (p.Lys172=)

Gene: MYO1E (myosin IE; minus strand). Cytogenetic location: 15q22.2.
Variant type: single nucleotide variant.
Coding change: c.516A>G on transcript NM_004998.4 (MANE Select); coding-DNA position 516, A replaced by G.
Protein change: p.Lys172=; no amino-acid change (lysine 172 retained).
Molecular consequence: synonymous variant.
Genome position (GRCh38, 1-based): chr15:59,227,585, T>C on the plus strand (A>G on the coding strand, the complement: MYO1E is on the minus strand). VCF-style: chr15-59227585-T-C. GRCh37 (hg19) VCF-style: chr15-59519784-T-C.
Identifiers: ClinVar variation 2983683 (VCV002983683.5), dbSNP rs150716172, ClinGen allele CA7590288.

ClinVar aggregate classification (germline): Likely benign. Review status: criteria provided, single submitter (1 of 4 stars). 2 submissions from 2 submitters: Likely benign (1). 1 of the submissions does not count toward it. Last evaluated 2023-12-22.

Conditions:
MYO1E-related disorder. Also called: MYO1E-related condition.

Allele frequency attached by ClinVar (database versions not stated): gnomAD exomes 0.00002; gnomAD 0.00003; TOPMed 0.00003; ExAC 0.00007; ESP Exome Variant Server 0.00015.
gnomAD v4.1: 43 of 1,613,960 alleles (0.0027%); highest among the groups gnomAD compares: Middle Eastern, 0.016%; no homozygotes.

Submissions (2):

Labcorp Genetics (formerly Invitae), Labcorp
Classification: Likely benign. Last evaluated: 2023-12-22. Review status: criteria provided, single submitter. Criteria: Invitae Variant Classification Sherloc (09022015). Collection method: clinical testing. Allele origin: germline.

PreventionGenetics, part of Exact Sciences
Classification: Likely benign for MYO1E-related condition. Last evaluated: 2023-11-15. Review status: no assertion criteria provided. Collection method: clinical testing. Allele origin: germline. Not counted in ClinVar's aggregate classification.
Comment: This variant is classified as likely benign based on ACMG/AMP sequence variant interpretation guidelines (Richards et al. 2015 PMID: 25741868, with internal and published modifications).